The following is an entry in ClinVar:

NM_198253.3(TERT):c.2187C>T (p.Ile729=)

Gene: TERT (telomerase reverse transcriptase; minus strand). Cytogenetic location: 5p15.33.
Variant type: single nucleotide variant.
Coding change: c.2187C>T on transcript NM_198253.3 (MANE Select); coding-DNA position 2187, C replaced by T.
Protein change: p.Ile729=; no amino-acid change (isoleucine 729 retained).
Molecular consequence: synonymous variant. On other transcripts: non-coding transcript variant (2).
Genome position (GRCh38, 1-based): chr5:1,278,740, G>A on the plus strand (C>T on the coding strand, the complement: TERT is on the minus strand). VCF-style: chr5-1278740-G-A. GRCh37 (hg19) VCF-style: chr5-1278855-G-A.
Other names: c.2187C>T, p.Ile729= (NM_001193376.3).
Identifiers: ClinVar variation 705901 (VCV000705901.19), dbSNP rs200819224, ClinGen allele CA3184630.
Genomic context (GRCh38, chr5:1,278,740, plus strand): 5'-CTTCTGGACCACGGCATACCGACGCACGCAGTACGTGTTCTGGGGTTTGATGATGCTGGC[G>A]ATGACCTCCGTGAGCCTGTCCTGGGGGATGGTGTCGTACGCGCCCGTCACATCCACCTGT-3'
Protein context (NP_937983.2, residues 719-739): TIPQDRLTEV[Ile729=]ASIIKPQNTY

ClinVar aggregate classification (germline): Conflicting classifications of pathogenicity. Review status: criteria provided, conflicting classifications (1 of 4 stars). 4 submissions from 4 submitters: Uncertain significance (1); Likely benign (2). 1 of the submissions does not count toward it. Last evaluated 2024-11-05.

Conditions:
Dyskeratosis congenita, autosomal dominant 2. Identifiers: MedGen C3151443, MONDO:0013521, OMIM 613989.
Idiopathic Pulmonary Fibrosis. Also called: Idiopathic fibrosing alveolitis, chronic form; idiopathic fibrosing alveolitis. Identifiers: Orphanet 2032, MedGen C1800706, MeSH D054990, MONDO:0800504.
TERT-related disorder. Also called: TERT-related condition; TERT-related disorders.
Dyskeratosis congenita. Identifiers: Orphanet 1775, MedGen C0265965, MONDO:0015780.

Allele frequency attached by ClinVar (database versions not stated): 1000 Genomes Project 0.00040; gnomAD 0.00001; gnomAD exomes 0.00001 and 0.00002; ExAC 0.00002; 1000 Genomes Project 30x 0.00031.
gnomAD v4.1: 13 of 1,614,194 alleles (0.00081%); highest among the groups gnomAD compares: Admixed American, 0.012%; no homozygotes.

Submissions (4):

Labcorp Genetics (formerly Invitae), Labcorp
Classification: Likely benign for Dyskeratosis congenita, autosomal dominant 2; Idiopathic Pulmonary Fibrosis. Last evaluated: 2024-11-05. Review status: criteria provided, single submitter. Criteria: Invitae Variant Classification Sherloc (09022015). Collection method: clinical testing. Allele origin: germline.

Ambry Genetics
Classification: Likely benign for Dyskeratosis congenita. Last evaluated: 2022-03-31. Review status: criteria provided, single submitter. Criteria: Ambry Variant Classification Scheme 2023. Collection method: clinical testing. Allele origin: germline.

Genetic Services Laboratory, University of Chicago
Classification: Uncertain significance. Last evaluated: 2018-05-01. Review status: criteria provided, single submitter. Criteria: ACMG Guidelines, 2015. Collection method: clinical testing. Allele origin: germline. Affected: no.

PreventionGenetics, part of Exact Sciences
Classification: Likely benign for TERT-related condition. Last evaluated: 2022-05-13. Review status: no assertion criteria provided. Collection method: clinical testing. Allele origin: germline. Not counted in ClinVar's aggregate classification.
Comment: This variant is classified as likely benign based on ACMG/AMP sequence variant interpretation guidelines (Richards et al. 2015 PMID: 25741868, with internal and published modifications).